The following is an entry in ClinVar:

NM_001083116.3(PRF1):c.1164C>A (p.Ser388Arg)

Gene: PRF1 (perforin 1; minus strand). Cytogenetic location: 10q22.1.
Variant type: single nucleotide variant.
Coding change: c.1164C>A on transcript NM_001083116.3 (MANE Select); coding-DNA position 1164, C replaced by A.
Protein change: p.Ser388Arg; replaces serine 388 with arginine.
Molecular consequence: missense variant.
Genome position (GRCh38, 1-based): chr10:70,598,557, G>T on the plus strand (C>A on the coding strand, the complement: PRF1 is on the minus strand). VCF-style: chr10-70598557-G-T. GRCh37 (hg19) VCF-style: chr10-72358313-G-T.
Other names: c.1164C>A, p.Ser388Arg (NM_005041.6); short protein forms S388R.
Identifiers: ClinVar variation 1338078 (VCV001338078.5), dbSNP rs761607073, ClinGen allele CA376956934.

ClinVar aggregate classification (germline): Uncertain significance. Review status: criteria provided, multiple submitters, no conflicts (2 of 4 stars). 2 submissions from 2 submitters: Uncertain significance (2). Last evaluated 2022-04-12.

Conditions:
Familial hemophagocytic lymphohistiocytosis 2 (FHL2). Also called: PRF1-Related Familial Hemophagocytic Lymphohistiocytosis (PRF1-fHLH). Identifiers: Orphanet 540, MedGen C1863727, MONDO:0011337, OMIM 603553.

gnomAD v4.1: 8 of 1,612,872 alleles (0.0005%); highest among the groups gnomAD compares: Non-Finnish European, 0.00068%; no homozygotes.

Submissions (2):

Labcorp Genetics (formerly Invitae), Labcorp
Classification: Uncertain significance for Familial hemophagocytic lymphohistiocytosis 2. Last evaluated: 2022-04-12. Review status: criteria provided, single submitter. Criteria: Invitae Variant Classification Sherloc (09022015). Collection method: clinical testing. Allele origin: germline.
Comment: This sequence change replaces serine, which is neutral and polar, with arginine, which is basic and polar, at codon 388 of the PRF1 protein (p.Ser388Arg). This variant is not present in population databases (gnomAD no frequency). This variant has not been reported in the literature in individuals affected with PRF1-related conditions. ClinVar contains an entry for this variant (Variation ID: 1338078). Algorithms developed to predict the effect of missense changes on protein structure and function are either unavailable or do not agree on the potential impact of this missense change (SIFT: "Deleterious"; PolyPhen-2: "Benign"; Align-GVGD: "Class C0"). In summary, the available evidence is currently insufficient to determine the role of this variant in disease. Therefore, it has been classified as a Variant of Uncertain Significance.

Genetic Services Laboratory, University of Chicago
Classification: Uncertain significance. Last evaluated: 2021-09-22. Review status: criteria provided, single submitter. Criteria: ACMG Guidelines, 2015. Collection method: clinical testing. Allele origin: germline. Affected: no.
Comment: DNA sequence analysis of the PRF1 gene demonstrated a sequence change, c.1164C>A, in exon 3 that results in an amino acid change, p.Ser388Arg. This sequence change has not been described in population databases including ExAC and gnomAD. The p.Ser388Arg change affects a moderately conserved amino acid residue located in a domain of the PRF1 protein that is known to be functional. In-silico pathogenicity prediction tools (SIFT, PolyPhen2, Align GVGD, REVEL) provide contradictory results for the p.Ser388Arg substitution. This sequence change does not appear to have been previously described in individuals with PRF1-related disorders, however, a different amino acid change at the same position, p.Ser388Ile, has been reported in an individual with severe aplastic anemia (PMID: 17311987). Due to insufficient evidences and the lack of functional studies, the clinical significance of the p.Ser388Arg change remains unknown at this time.